The following is an entry in ClinVar:

ClinVar aggregate classification (germline): Uncertain significance (1 of 4 stars; one submission).

Conditions:
Neurofibromatosis, type 1 (NF1). Also called: NEUROFIBROMATOSIS, TYPE I, SOMATIC; VON RECKLINGHAUSEN DISEASE; Peripheral type neurofibromatosis; Neurofibromatosis, type I. Identifiers: Orphanet 636, MedGen C0027831, MONDO:0018975, OMIM 162200. Disease mechanism: loss of function.

Submission:

Labcorp Genetics (formerly Invitae), Labcorp
Classification: Uncertain significance for Neurofibromatosis, type 1. Last evaluated: 2018-06-21. Review status: criteria provided, single submitter. Criteria: Invitae Variant Classification Sherloc (09022015). Collection method: clinical testing. Allele origin: germline.
Comment: In summary, the available evidence is currently insufficient to determine the role of this variant in disease. Therefore, it has been classified as a Variant of Uncertain Significance. Algorithms developed to predict the effect of missense changes on protein structure and function (SIFT, PolyPhen-2, Align-GVGD) all suggest that this variant is likely to be tolerated, but these predictions have not been confirmed by published functional studies and their clinical significance is uncertain. This variant has not been reported in the literature in individuals with NF1-related disease. While this variant is not present in population databases, the frequency information is unreliable, as metrics indicate poor data quality at this position in the ExAC database. This sequence change replaces glutamic acid with alanine at codon 19 of the NF1 protein (p.Glu19Ala). The glutamic acid residue is weakly conserved and there is a moderate physicochemical difference between glutamic acid and alanine.

NM_001042492.3(NF1):c.56A>C (p.Glu19Ala)

Genes: MIR4733HG (MIR4733 host gene; minus strand), NF1 (neurofibromin 1; plus strand), LOC111811965 (NF1 (neurofibromin 1) promoter region; plus strand). Cytogenetic location: 17q11.2.
Variant type: single nucleotide variant.
Coding change: c.56A>C on transcript NM_001042492.3 (MANE Select); coding-DNA position 56, A replaced by C.
Protein change: p.Glu19Ala; replaces glutamic acid 19 with alanine.
Molecular consequence: missense variant. On other transcripts: non-coding transcript variant (1).
Genome position (GRCh38, 1-based): chr17:31,095,365, A>C. VCF-style: chr17-31095365-A-C. GRCh37 (hg19) VCF-style: chr17-29422383-A-C.
Other names: c.56A>C, p.Glu19Ala (NM_000267.4, NM_001128147.3); short protein forms E19A.
Identifiers: ClinVar variation 1038222 (VCV001038222.5), dbSNP rs1911558602, ClinGen allele CA398979418.